The following is an entry in ClinVar:

ClinVar aggregate classification (germline): Likely pathogenic. Review status: criteria provided, multiple submitters, no conflicts (2 of 4 stars). 2 submissions from 2 submitters: Likely pathogenic (2). Last evaluated 2024-12-11.

Conditions:
Pyruvate dehydrogenase E3 deficiency (DLDD). Also called: Dihydrolipoamide Dehydrogenase (E3) Deficiency; Lipoamide dehydrogenase deficiency, lactic acidosis due to; Lipoamide dehydrogenase deficiency; DLD DEFICIENCY; E3 DEFICIENCY; Dihydrolipoamide Dehydrogenase Deficiency. Identifiers: Orphanet 2394, Orphanet 765, MedGen C5574660, MONDO:0009529, OMIM 246900.

Submissions (2):

Natera, Inc.
Classification: Likely pathogenic for Maple syrup urine disease type 3. Last evaluated: 2024-12-11. Review status: criteria provided, single submitter. Criteria: Natera Variant Classification Schema (03/2026). Collection method: clinical testing. Allele origin: germline.
Comment: The c.1036A>T variant in DLD is a nonsense variant predicted to introduce a stop codon at amino acid 346. This variant is expected to result in nonsense mediated decay, truncation, or a dysfunctional protein product. This variant is rare in the general population with a frequency below the threshold expected for the associated phenotype(s). Given the available evidence, this variant is classified as Likely Pathogenic.

Myriad Genetics, Inc.
Classification: Likely pathogenic for Pyruvate dehydrogenase E3 deficiency. Last evaluated: 2022-03-21. Review status: criteria provided, single submitter. Criteria: Myriad Women's Health Autosomal Recessive and X-Linked Classification Criteria (2021). Collection method: clinical testing. Allele origin: unknown.
Comment: NM_000108.3(DLD):c.1036A>T(K346*) is expected to be pathogenic in the context of dihydrolipoamide dehydrogenase deficiency. This variant is predicted to lead to an abnormal or absent protein product due to the creation of a premature termination codon in DLD, a gene where loss-of-function variants are known to be pathogenic. Please note: this variant was assessed in the context of healthy population screening.

NM_000108.5(DLD):c.1036A>T (p.Lys346Ter)

Gene: DLD (dihydrolipoamide dehydrogenase; plus strand). Cytogenetic location: 7q31.1.
Variant type: single nucleotide variant.
Coding change: c.1036A>T on transcript NM_000108.5 (MANE Select); coding-DNA position 1036, A replaced by T.
Protein change: p.Lys346Ter; replaces lysine 346 with a stop codon.
Molecular consequence: nonsense.
Genome position (GRCh38, 1-based): chr7:107,916,954, A>T. VCF-style: chr7-107916954-A-T. GRCh37 (hg19) VCF-style: chr7-107557399-A-T.
Other names: c.1036A>T (NM_000108.4); c.739A>T, p.Lys247Ter (NM_001289750.1); c.967A>T, p.Lys323Ter (NM_001289751.1); c.892A>T, p.Lys298Ter (NM_001289752.1); short protein forms K247*, K298*, K323*, K346*.
Identifiers: ClinVar variation 1725431 (VCV001725431.3), dbSNP rs952647277, ClinGen allele CA368857927.
Genomic context (GRCh38, chr7:107,916,954, plus strand): 5'-GAGCTGGGAATTGAACTAGATCCCAGAGGTAGAATTCCAGTCAATACCAGATTTCAAACT[A>T]AAATTCCAAAGTAAGTTGGATAATTGTCTGCATTTTCAGTAATTTTAAAATTGATTTCAA-3'